The following is an entry in ClinVar:

ClinVar aggregate classification (germline): Uncertain significance (1 of 4 stars; one submission).

Allele frequency attached by ClinVar (database versions not stated): gnomAD 0.00004; TOPMed 0.00005; ExAC 0.00006; gnomAD exomes 0.00008; ESP Exome Variant Server 0.00022.
gnomAD v4.1: 114 of 1,536,776 alleles (0.0074%); highest among the groups gnomAD compares: Non-Finnish European, 0.0092%; no homozygotes.

Submission:

GeneDx
Classification: Uncertain significance. Last evaluated: 2023-08-31. Review status: criteria provided, single submitter. Criteria: GeneDx Variant Classification Process June 2021. Collection method: clinical testing. Allele origin: germline. Affected: yes.
Comment: In silico analysis supports that this missense variant does not alter protein structure/function; Has not been previously published as pathogenic or benign to our knowledge

NM_001378183.1(PIEZO2):c.4487A>G (p.Lys1496Arg)

Gene: PIEZO2 (piezo type mechanosensitive ion channel component 2; minus strand). Cytogenetic location: 18p11.22.
Variant type: single nucleotide variant.
Coding change: c.4487A>G on transcript NM_001378183.1 (MANE Select); coding-DNA position 4487, A replaced by G.
Protein change: p.Lys1496Arg; replaces lysine 1496 with arginine.
Molecular consequence: missense variant.
Genome position (GRCh38, 1-based): chr18:10,744,169, T>C on the plus strand (A>G on the coding strand, the complement: PIEZO2 is on the minus strand). VCF-style: chr18-10744169-T-C. GRCh37 (hg19) VCF-style: chr18-10744167-T-C.
Other names: c.4487A>G, p.Lys1496Arg (NM_001410871.1); c.4412A>G, p.Lys1471Arg (NM_022068.4); short protein forms K1471R, K1496R.
Identifiers: ClinVar variation 2504411 (VCV002504411.3), dbSNP rs375685494, ClinGen allele CA8892441.
Genomic context (GRCh38, chr18:10,744,169, plus strand): 5'-CGGAAGGAGGATGAGCATCAATAGCATCCTTACTGTCGCTTCAGCTGGTCCATGGACTTC[T>C]TCTCTTCCTCAATTCTTGCCTTTACAGCTTTTACAATTGTGGCCTGGAAAAGTTCAGCTC-3'
Protein context (NP_001365112.1, residues 1486-1506): KAVKARIEEE[Lys1496Arg]KSMDQLKRQM